The following is an entry in ClinVar:

ClinVar aggregate classification (germline): Likely benign (0 of 4 stars; one submission).

Conditions:
FOXF1-related disorder. Also called: FOXF1-related condition.

Allele frequency attached by ClinVar (database versions not stated): TOPMed below 0.00001; gnomAD 0.00001.
gnomAD v4.1: 13 of 1,611,126 alleles (0.00081%); highest among the groups gnomAD compares: Non-Finnish European, 0.001%; no homozygotes.

Submission:

PreventionGenetics, part of Exact Sciences
Classification: Likely benign for FOXF1-related condition. Last evaluated: 2024-01-03. Review status: no assertion criteria provided. Collection method: clinical testing. Allele origin: germline.
Comment: This variant is classified as likely benign based on ACMG/AMP sequence variant interpretation guidelines (Richards et al. 2015 PMID: 25741868, with internal and published modifications).

NM_001451.3(FOXF1):c.483C>T (p.Leu161=)

Gene: FOXF1 (forkhead box F1; plus strand). Cytogenetic location: 16q24.1.
Variant type: single nucleotide variant.
Coding change: c.483C>T on transcript NM_001451.3 (MANE Select); coding-DNA position 483, C replaced by T.
Protein change: p.Leu161=; no amino-acid change (leucine 161 retained).
Molecular consequence: synonymous variant.
Genome position (GRCh38, 1-based): chr16:86,511,052, C>T. VCF-style: chr16-86511052-C-T. GRCh37 (hg19) VCF-style: chr16-86544658-C-T.
Identifiers: ClinVar variation 3049714 (VCV003049714.2), dbSNP rs1234300382, ClinGen allele CA497014300.